The following is an entry in ClinVar:

ClinVar aggregate classification (germline): Pathogenic/Likely pathogenic. Review status: criteria provided, multiple submitters, no conflicts (2 of 4 stars). 4 submissions from 4 submitters: Pathogenic (1); Likely pathogenic (3). Last evaluated 2025-07-07.

Conditions:
Autosomal recessive polycystic kidney disease (ARPKD). Also called: AR polycystic kidney disease. Identifiers: Orphanet 731, Orphanet 8378, MedGen C0085548, MeSH D017044, MONDO:0009889.
Polycystic kidney disease 4 (PKD4). Also called: PKD3; POLYCYSTIC KIDNEY AND HEPATIC DISEASE 1; POLYCYSTIC KIDNEY DISEASE, INFANTILE, TYPE I; POLYCYSTIC KIDNEY DISEASE 4 WITH OR WITHOUT POLYCYSTIC LIVER DISEASE; Autosomal Recessive Polycystic Kidney Disease – PKHD1. Identifiers: MedGen C4540575, MONDO:0033004, OMIM 263200.

Submissions (4):

Natera, Inc.
Classification: Likely pathogenic for Autosomal recessive polycystic kidney disease. Last evaluated: 2025-07-07. Review status: criteria provided, single submitter. Criteria: Natera Variant Classification Schema (03/2026). Collection method: clinical testing. Allele origin: germline.
Comment: The c.4005delC variant in PKHD1 is a frameshift variant predicted to shift the reading frame beginning at codon 1336 and leads to a stop codon 12 codons downstream. This variant is expected to result in nonsense mediated decay, truncation, or a dysfunctional protein product. This variant is rare in the general population with a frequency below the threshold expected for the associated phenotype(s). Given the available evidence, this variant is classified as Likely Pathogenic.

Labcorp Genetics (formerly Invitae), Labcorp
Classification: Pathogenic for Autosomal recessive polycystic kidney disease. Last evaluated: 2023-06-17. Review status: criteria provided, single submitter. Criteria: Invitae Variant Classification Sherloc (09022015). Collection method: clinical testing. Allele origin: germline.
Comment: This sequence change creates a premature translational stop signal (p.Cys1336Valfs*12) in the PKHD1 gene. It is expected to result in an absent or disrupted protein product. Loss-of-function variants in PKHD1 are known to be pathogenic (PMID: 19940839). For these reasons, this variant has been classified as Pathogenic. ClinVar contains an entry for this variant (Variation ID: 861244). This variant has not been reported in the literature in individuals affected with PKHD1-related conditions. This variant is not present in population databases (gnomAD no frequency).

Baylor Genetics
Classification: Likely pathogenic for Polycystic kidney disease 4. Last evaluated: 2023-05-14. Review status: criteria provided, single submitter. Criteria: ACMG Guidelines, 2015. Collection method: clinical testing. Allele origin: unknown.

Fulgent Genetics
Classification: Likely pathogenic for Polycystic kidney disease 4. Last evaluated: 2021-12-28. Review status: criteria provided, single submitter. Criteria: ACMG Guidelines, 2015. Collection method: clinical testing. Allele origin: unknown.

Literature cited by the submitters: PubMed 19940839 (cited by Labcorp Genetics (formerly Invitae), Labcorp).

NM_138694.4(PKHD1):c.4005del (p.Cys1336fs)

Gene: PKHD1 (PKHD1 ciliary IPT domain containing fibrocystin/polyductin; minus strand). Cytogenetic location: 6p12.2.
Variant type: Deletion.
Coding change: c.4005del on transcript NM_138694.4 (MANE Select); coding-DNA position 4005, one base deleted (C; older notation c.4005delC).
Protein change: p.Cys1336fs; shifts the reading frame from cysteine 1336.
Molecular consequence: frameshift variant.
Genome position (GRCh38, 1-based): chr6:52,025,805, G deleted on the plus strand (C on the coding strand, the reverse complement: PKHD1 is on the minus strand). VCF-style (leftmost placement, unchanged base first): chr6-52025804-AG-A. GRCh37 (hg19) VCF-style: chr6-51890602-AG-A.
Other names: c.4005del, p.Cys1336fs (NM_170724.3); c.4005delC (NM_138694.3); short protein forms C1336fs.
Identifiers: ClinVar variation 861244 (VCV000861244.11), dbSNP rs1802073525, ClinGen allele CA916082841.